The following is an entry in ClinVar:

NM_014141.6(CNTNAP2):c.3247+269T>G

Gene: CNTNAP2 (contactin associated protein 2; plus strand). Cytogenetic location: 7q36.1.
Variant type: single nucleotide variant.
Coding change: c.3247+269T>G on transcript NM_014141.6 (MANE Select); 269 bases into the intron after coding-DNA position 3247, T replaced by G.
Molecular consequence: intron variant.
Genome position (GRCh38, 1-based): chr7:148,217,793, T>G. VCF-style: chr7-148217793-T-G. GRCh37 (hg19) VCF-style: chr7-147914885-T-G.
Identifiers: ClinVar variation 668101 (VCV000668101.1), dbSNP rs12333931, ClinGen allele CA12575260.

ClinVar aggregate classification (germline): Benign (1 of 4 stars; one submission).

Allele frequency attached by ClinVar (database versions not stated): 1000 Genomes Project 30x 0.73345; 1000 Genomes Project 0.73622; TOPMed 0.77249; gnomAD 0.77291 and 0.77338.
gnomAD v4.1: 117,794 of 152,208 alleles (77%); highest among the groups gnomAD compares: Admixed American, 83%; 45,820 homozygotes.

Submission:

GeneDx
Classification: Benign. Last evaluated: 2018-06-18. Review status: criteria provided, single submitter. Criteria: GeneDx Variant Classification (06012015). Collection method: clinical testing. Allele origin: germline. Affected: yes.
Comment: This variant is considered likely benign or benign based on one or more of the following criteria: it is a conservative change, it occurs at a poorly conserved position in the protein, it is predicted to be benign by multiple in silico algorithms, and/or has population frequency not consistent with disease.